The following continues an entry in ClinVar:

NM_000059.4(BRCA2):c.8677C>T (p.Gln2893Ter)

Gene: BRCA2. ClinVar aggregate classification (germline): Pathogenic. Pathogenic (1).

Submissions 8 to 15 of 15:

Neuberg Centre For Genomic Medicine, NCGM
Classification: Pathogenic for Familial cancer of breast. Last evaluated: 2023-03-01. Review status: criteria provided, single submitter. Criteria: ACMG Guidelines, 2015. Collection method: clinical testing. Allele origin: germline. Inheritance: Autosomal dominant inheritance. Affected: yes. Not counted in ClinVar's aggregate classification.
Comment: The stop gained c.8677C>T (p.Gln2893Ter) variant in BRCA2 gene has been previously reported in multiple individuals affected with Breast Cancer (Katagiri T, et al., 1998; Nomizu T, et al., 2012; Nakamura et al., 2015). The p.Gln2893Ter variant is novel (not in any individuals) in gnomAD Exomes and 1000 Genomes. This variant has been reported to the ClinVar database as Pathogenic (multiple submissions). The nucleotide change c.8677C>T in BRCA2 is predicted as conserved by GERP++ and PhyloP across 100 vertebrates. This sequence change creates a premature translational stop signal (p.Gln2893Ter) in the BRCA2 gene. This variant is predicted to cause loss of normal protein function through protein truncation. Loss of function variants in BRCA2 gene have been previously reported to be pathogenic (Borg et al., 2010). For these reasons, this variant has been classified as Pathogenic.

Baylor Genetics
Classification: Pathogenic for Familial cancer of breast. Last evaluated: 2022-11-14. Review status: criteria provided, single submitter. Criteria: ACMG Guidelines, 2015. Collection method: clinical testing. Allele origin: unknown. Not counted in ClinVar's aggregate classification.

Women's Health and Genetics/Laboratory Corporation of America, LabCorp
Classification: Pathogenic for Hereditary breast ovarian cancer syndrome. Last evaluated: 2022-07-25. Review status: criteria provided, single submitter. Criteria: LabCorp Variant Classification Summary - May 2015. Collection method: clinical testing. Allele origin: germline. Not counted in ClinVar's aggregate classification.
Comment: Variant summary: BRCA2 c.8677C>T (p.Gln2893X) results in a premature termination codon, predicted to cause a truncation of the encoded protein or absence of the protein due to nonsense mediated decay, which are commonly known mechanisms for disease. Truncations downstream of this position have been classified as pathogenic by our laboratory. The variant was absent in 251318 control chromosomes. c.8677C>T has been reported in the literature in individuals affected with Hereditary Breast And Ovarian Cancer Syndrome (example, Katagiri_1998, Laitman_2011, Nakamura_2013, Nomizu_2012). These data indicate that the variant is likely to be associated with disease. To our knowledge, no experimental evidence demonstrating an impact on protein function has been reported. Multiple clinical diagnostic laboratories and an expert panel (ENIGMA) have submitted clinical-significance assessments for this variant to ClinVar after 2014 without evidence for independent evaluation. All submitters classified the variant as pathogenic. Based on the evidence outlined above, the variant was classified as pathogenic.

Fulgent Genetics
Classification: Pathogenic for Familial cancer of breast; Medulloblastoma; Familial prostate cancer; Wilms tumor 1; Fanconi anemia complementation group D1; Breast-ovarian cancer, familial, susceptibility to, 2; Glioma susceptibility 3; Pancreatic cancer, susceptibility to, 2. Last evaluated: 2022-04-10. Review status: criteria provided, single submitter. Criteria: ACMG Guidelines, 2015. Collection method: clinical testing. Allele origin: unknown. Not counted in ClinVar's aggregate classification.

Genomic Research Center, Shahid Beheshti University of Medical Sciences
Classification: Pathogenic for Breast-ovarian cancer, familial 2. Last evaluated: 2020-05-03. Review status: criteria provided, single submitter. Criteria: ACMG Guidelines, 2015. Collection method: clinical testing. Allele origin: unknown. Affected: yes. Not counted in ClinVar's aggregate classification.

GeneDx
Classification: Pathogenic. Last evaluated: 2018-12-06. Review status: criteria provided, single submitter. Criteria: GeneDx Variant Classification (06012015). Collection method: clinical testing. Allele origin: germline. Affected: yes. Not counted in ClinVar's aggregate classification.
Comment: This variant is denoted BRCA2 c.8677C>T at the cDNA level and p.Gln2893Ter (Q2893X) at the protein level. The substitution creates a nonsense variant, which changes a Glutamine to a premature stop codon (CAG>TAG), and is predicted to cause loss of normal protein function through either protein truncation or nonsense-mediated mRNA decay. This variant, also known as BRCA2 8905C>T using alternate nomenclature, has been reported in association with Hereditary Breast and Ovarian Cancer syndrome (Katagiri 1998, Laitman 2011, Takahashi 2017) and is considered pathogenic.

Consortium of Investigators of Modifiers of BRCA1/2 (CIMBA), c/o University of Cambridge
Classification: Pathogenic for Breast-ovarian cancer, familial, susceptibility to, 2. Last evaluated: 2015-10-02. Review status: criteria provided, single submitter. Criteria: CIMBA Mutation Classification guidelines May 2016. Collection method: clinical testing. Allele origin: germline. Not counted in ClinVar's aggregate classification.

Sharing Clinical Reports Project (SCRP)
Classification: Pathogenic for Breast-ovarian cancer, familial 2. Last evaluated: 2011-03-29. Review status: no assertion criteria provided. Collection method: clinical testing. Allele origin: germline. Not counted in ClinVar's aggregate classification.

Literature cited by the submitters: PubMed 20104584 (cited by Labcorp Genetics (formerly Invitae), Labcorp); PubMed 9609997 (cited by 6 submitters); PubMed 26187060 (cited by 3 submitters); PubMed 20960228 (cited by 3 submitters); PubMed 24249303 (cited by 5 submitters); PubMed 29446198 (cited by 4 submitters); PubMed 33754277 (cited by Quest Diagnostics Nichols Institute San Juan Capistrano); PubMed 32816949 (cited by 3 submitters); PubMed 19806429 (cited by 3 submitters); PubMed 27271530 (cited by All of Us Research Program, National Institutes of Health and Color Diagnostics, LLC DBA Color Health); PubMed 31469826 (cited by All of Us Research Program, National Institutes of Health and Color Diagnostics, LLC DBA Color Health).